The following is an entry in ClinVar:

NM_000051.4(ATM):c.5369A>T (p.Asp1790Val)

Gene: ATM (ATM serine/threonine kinase; plus strand). Cytogenetic location: 11q22.3.
Variant type: single nucleotide variant.
Coding change: c.5369A>T on transcript NM_000051.4 (MANE Select); coding-DNA position 5369, A replaced by T.
Protein change: p.Asp1790Val; replaces aspartic acid 1790 with valine.
Molecular consequence: missense variant.
Genome position (GRCh38, 1-based): chr11:108,302,902, A>T. VCF-style: chr11-108302902-A-T. GRCh37 (hg19) VCF-style: chr11-108173629-A-T.
Other names: c.5369A>T, p.Asp1790Val (NM_001351834.2); short protein forms D1790V.
Identifiers: ClinVar variation 481089 (VCV000481089.22), dbSNP rs746945284, ClinGen allele CA382543413.
Genomic context (GRCh38, chr11:108,302,902, plus strand): 5'-TTTCTTTCTAGTTTTTAGAAGTACCCAGATTTGACAAAGAAAACCCTTTTGAAGGCCTGG[A>T]TGATATAAATCTGTGGATTCCTCTAAGTGAAAATCATGACATTTGGATAAAGACACTGAC-3'
Protein context (NP_000042.3, residues 1780-1800): FDKENPFEGL[Asp1790Val]DINLWIPLSE

ClinVar aggregate classification (germline): Uncertain significance. Review status: criteria provided, multiple submitters, no conflicts (2 of 4 stars). 5 submissions from 5 submitters: Uncertain significance (4). 1 of the submissions does not count toward it. Last evaluated 2025-10-28.

Conditions:
Hereditary cancer-predisposing syndrome. Also called: Hereditary neoplastic syndrome; Neoplastic Syndromes, Hereditary; Tumor predisposition; Hereditary Cancer Syndrome. Identifiers: Orphanet 140162, MedGen C0027672, MeSH D009386, MONDO:0015356.
Ataxia-telangiectasia syndrome (AT). Also called: LOUIS-BAR SYNDROME; Cerebello-oculocutaneous telangiectasia; Immunodeficiency with ataxia telangiectasia; AT, COMPLEMENTATION GROUP C; Ataxia-telangiectasia, complementation group D; ATAXIA-TELANGIECTASIA, COMPLEMENTATION GROUP A. Identifiers: Orphanet 100, MedGen C0004135, MONDO:0008840, OMIM 208900.

Submissions (5):

Labcorp Genetics (formerly Invitae), Labcorp
Classification: Uncertain significance for Ataxia-telangiectasia syndrome. Last evaluated: 2025-10-28. Review status: criteria provided, single submitter. Criteria: Invitae Variant Classification Sherloc (09022015). Collection method: clinical testing. Allele origin: germline.
Comment: This sequence change replaces aspartic acid, which is acidic and polar, with valine, which is neutral and non-polar, at codon 1790 of the ATM protein (p.Asp1790Val). This variant is not present in population databases (gnomAD no frequency). This variant has not been reported in the literature in individuals affected with ATM-related conditions. ClinVar contains an entry for this variant (Variation ID: 481089). Invitae Evidence Modeling of protein sequence and biophysical properties (such as structural, functional, and spatial information, amino acid conservation, physicochemical variation, residue mobility, and thermodynamic stability) indicates that this missense variant is not expected to disrupt ATM protein function with a negative predictive value of 95%. In summary, the available evidence is currently insufficient to determine the role of this variant in disease. Therefore, it has been classified as a Variant of Uncertain Significance.

Center for Genomic Medicine, Rigshospitalet, Copenhagen University Hospital
Classification: Uncertain significance. Last evaluated: 2025-03-04. Review status: criteria provided, single submitter. Criteria: ACMG Guidelines, 2015. Collection method: clinical testing. Allele origin: germline.

Ambry Genetics
Classification: Uncertain significance for Hereditary cancer-predisposing syndrome. Last evaluated: 2024-11-19. Review status: criteria provided, single submitter. Criteria: Ambry Variant Classification Scheme 2023. Collection method: clinical testing. Allele origin: germline.
Comment: The p.D1790V variant (also known as c.5369A>T), located in coding exon 35 of the ATM gene, results from an A to T substitution at nucleotide position 5369. The aspartic acid at codon 1790 is replaced by valine, an amino acid with highly dissimilar properties. This alteration was observed with an allele frequency of 0.00057 in 7,051 unselected female breast cancer patients and was observed with an allele frequency of 0.00053 in 11,241 female controls of Japanese ancestry. In addition, it was not observed in unselected male breast cancer patients and was observed with an allele frequency of 0.0002 in 12490 male controls of Japanese ancestry (Momozawa Y et al. Nat Commun, 2018 10;9:4083). This amino acid position is highly conserved in available vertebrate species. In addition, the in silico prediction for this alteration is inconclusive. Based on the available evidence, the clinical significance of this variant remains unclear.

Color Diagnostics, LLC DBA Color Health
Classification: Uncertain significance for Hereditary cancer-predisposing syndrome. Last evaluated: 2020-12-03. Review status: criteria provided, single submitter. Criteria: ACMG Guidelines, 2015. Collection method: clinical testing. Allele origin: germline.
Comment: This missense variant replaces aspartic acid with valine at codon 1790 of the ATM protein. Computational prediction suggests that this variant may not impact protein structure and function (internally defined REVEL score threshold <= 0.5, PMID: 27666373). To our knowledge, functional studies have not been reported for this variant. This variant has not been reported in individuals affected with hereditary cancer in the literature. This variant has not been identified in the general population by the Genome Aggregation Database (gnomAD). The available evidence is insufficient to determine the role of this variant in disease conclusively. Therefore, this variant is classified as a Variant of Uncertain Significance.

Natera, Inc.
Classification: Uncertain significance for Ataxia-telangiectasia. Last evaluated: 2020-02-28. Review status: no assertion criteria provided. Collection method: clinical testing. Allele origin: germline. Not counted in ClinVar's aggregate classification.

Literature cited by the submitters: PubMed 30287823 (cited by Ambry Genetics).